The following is an entry in ClinVar:

NM_000152.5(GAA):c.2177C>G (p.Pro726Arg)

Gene: GAA (alpha glucosidase; plus strand). Cytogenetic location: 17q25.3.
Variant type: single nucleotide variant.
Coding change: c.2177C>G on transcript NM_000152.5 (MANE Select); coding-DNA position 2177, C replaced by G.
Protein change: p.Pro726Arg; replaces proline 726 with arginine.
Molecular consequence: missense variant.
Genome position (GRCh38, 1-based): chr17:80,113,354, C>G. VCF-style: chr17-80113354-C-G. GRCh37 (hg19) VCF-style: chr17-78087153-C-G.
Other names: c.2177C>G, p.Pro726Arg (NM_001079803.3, NM_001079804.3, NM_001406741.1 and 1 more transcripts); short protein forms P726R.
Identifiers: ClinVar variation 4876637 (VCV004876637.1).

ClinVar aggregate classification (germline): Uncertain significance (1 of 4 stars; one submission).

Conditions:
Glycogen storage disease, type II (IOPD). Also called: Pompe Disease; CARDIOMEGALIA GLYCOGENICA DIFFUSA; GLYCOGENOSIS, GENERALIZED, CARDIAC FORM; GSD II; POMPE DISEASE, INFANTILE-ONSET; GLYCOGEN STORAGE DISEASE II, INFANTILE-ONSET. Identifiers: Orphanet 365, MedGen C0017921, MONDO:0009290, OMIM 232300.

Submission:

Genomenon, Inc
Classification: Uncertain significance for Glycogen storage disease, type II. Last evaluated: 2026-07-01. Review status: criteria provided, single submitter. Criteria: Genomenon Sequence Variant Interpretation Standards - Updated. Collection method: curation. Allele origin: germline. Affected: yes.
Comment: GAA p.Pro726Arg (c.2177C>G) is a missense variant that changes the amino acid at codon 726 from Proline to Arginine. This variant has been observed in at least one proband with a GAA-related disorder in the compound heterozygous and/or homozygous state (PMID:21704464). It is absent or not present at a significant frequency in gnomAD. In silico models predict that this variant is possibly or probably damaging. In conclusion, we classify GAA p.Pro726Arg (c.2177C>G) as a variant of uncertain significance.

Literature cited by the submitters: PubMed 21704464.